The following is an entry in ClinVar:

NM_015404.4(WHRN):c.2541+3A>G

Gene: WHRN (whirlin; minus strand). Cytogenetic location: 9q32.
Variant type: single nucleotide variant.
Coding change: c.2541+3A>G on transcript NM_015404.4 (MANE Select); 3 bases into the intron after coding-DNA position 2541, A replaced by G.
Molecular consequence: intron variant.
Genome position (GRCh38, 1-based): chr9:114,403,214, T>C on the plus strand (A>G on the coding strand, the complement: WHRN is on the minus strand). VCF-style: chr9-114403214-T-C. GRCh37 (hg19) VCF-style: chr9-117165494-T-C.
Other names: c.2538+3A>G (NM_001173425.2); c.1392+3A>G (NM_001083885.3); c.1488+3A>G (NM_001346890.1).
Identifiers: ClinVar variation 1475519 (VCV001475519.5), dbSNP rs1243315918, ClinGen allele CA858985343.
Genomic context (GRCh38, chr9:114,403,214, plus strand): 5'-GATGCTGAGAAAGGGCCTTTCAGGGGTAGGGAGAGATGGCAAGTGGGGCCCCTGGGGACA[T>C]ACCTGAATAGTGACAATCCTAGGCAGGGGCTGGCGGGTGTTGGCGCCACCCTCGATGGCG-3'

ClinVar aggregate classification (germline): Uncertain significance (1 of 4 stars; one submission).

Allele frequency attached by ClinVar (database versions not stated): gnomAD 0.00001; gnomAD exomes 0.00002.
gnomAD v4.1: 23 of 1,614,038 alleles (0.0014%); highest among the groups gnomAD compares: East Asian, 0.0022%; no homozygotes.

Submission:

Labcorp Genetics (formerly Invitae), Labcorp
Classification: Uncertain significance. Last evaluated: 2024-02-24. Review status: criteria provided, single submitter. Criteria: Invitae Variant Classification Sherloc (09022015). Collection method: clinical testing. Allele origin: germline.
Comment: This sequence change falls in intron 11 of the WHRN gene. It does not directly change the encoded amino acid sequence of the WHRN protein. It affects a nucleotide within the consensus splice site. This variant is not present in population databases (gnomAD no frequency). This variant has not been reported in the literature in individuals affected with WHRN-related conditions. ClinVar contains an entry for this variant (Variation ID: 1475519). Variants that disrupt the consensus splice site are a relatively common cause of aberrant splicing (PMID: 17576681, 9536098). Algorithms developed to predict the effect of sequence changes on RNA splicing suggest that this variant is not likely to affect RNA splicing. In summary, the available evidence is currently insufficient to determine the role of this variant in disease. Therefore, it has been classified as a Variant of Uncertain Significance.

Literature cited by the submitters: PubMed 17576681; PubMed 9536098.